The following is an entry in ClinVar:

ClinVar aggregate classification (germline): Pathogenic/Likely pathogenic. Review status: criteria provided, multiple submitters, no conflicts (2 of 4 stars). 2 submissions from 2 submitters: Pathogenic (1); Likely pathogenic (1). Last evaluated 2023-12-02.

Conditions:
Multiple acyl-CoA dehydrogenase deficiency (MADD). Also called: Glutaric aciduria, type 2; Glutaric acidemia type II; GA 2; Glutaric Acidemia type 2; ETHYLMALONIC-ADIPICACIDURIA; GA II. Identifiers: Orphanet 26791, MedGen C0268596, MONDO:0009282, OMIM 231680.

Allele frequency attached by ClinVar (database versions not stated): gnomAD 0.00001; TOPMed 0.00001.
gnomAD v4.1: 2 of 1,614,062 alleles (0.00012%); highest among the groups gnomAD compares: African/African-American, 0.0027%; no homozygotes.

Submissions (2):

Labcorp Genetics (formerly Invitae), Labcorp
Classification: Pathogenic for Multiple acyl-CoA dehydrogenase deficiency. Last evaluated: 2023-12-02. Review status: criteria provided, single submitter. Criteria: Invitae Variant Classification Sherloc (09022015). Collection method: clinical testing. Allele origin: germline.
Comment: This sequence change creates a premature translational stop signal (p.Glu60*) in the ETFB gene. It is expected to result in an absent or disrupted protein product. Loss-of-function variants in ETFB are known to be pathogenic (PMID: 16510302, 23785301). This variant is present in population databases (no rsID available, gnomAD 0.007%). This variant has not been reported in the literature in individuals affected with ETFB-related conditions. Algorithms developed to predict the effect of sequence changes on RNA splicing suggest that this variant may create or strengthen a splice site. For these reasons, this variant has been classified as Pathogenic.

Baylor Genetics
Classification: Likely pathogenic for Multiple acyl-CoA dehydrogenase deficiency. Last evaluated: 2023-11-18. Review status: criteria provided, single submitter. Criteria: ACMG Guidelines, 2015. Collection method: clinical testing. Allele origin: unknown.

Literature cited by the submitters: PubMed 16510302 (cited by Labcorp Genetics (formerly Invitae), Labcorp); PubMed 23785301 (cited by Labcorp Genetics (formerly Invitae), Labcorp).

NM_001985.3(ETFB):c.178G>T (p.Glu60Ter)

Gene: ETFB (electron transfer flavoprotein subunit beta; minus strand). Cytogenetic location: 19q13.41.
Variant type: single nucleotide variant.
Coding change: c.178G>T on transcript NM_001985.3 (MANE Select); coding-DNA position 178, G replaced by T.
Protein change: p.Glu60Ter; replaces glutamic acid 60 with a stop codon.
Molecular consequence: nonsense.
Genome position (GRCh38, 1-based): chr19:51,354,188, C>A on the plus strand (G>T on the coding strand, the complement: ETFB is on the minus strand). VCF-style: chr19-51354188-C-A. GRCh37 (hg19) VCF-style: chr19-51857442-C-A.
Other names: c.451G>T, p.Glu151Ter (NM_001014763.1); short protein forms E151*, E60*.
Identifiers: ClinVar variation 2992769 (VCV002992769.4), dbSNP rs1193726585, ClinGen allele CA407083102.
Genomic context (GRCh38, chr19:51,354,188, plus strand): 5'-CCCTCCCCAAGACCTTCATCACCTGGCACTGTGCAGGCCCACAGCTGACGGCGATGACCT[C>A]CTTCACCAGCTTCTTCTCCTTGAGCCGCACAGCCTCCTCCACCGCGATCTCACAGAAGGG-3'